The following is an entry in ClinVar:

ClinVar aggregate classification (germline): Uncertain significance (1 of 4 stars; one submission).

gnomAD v4.1: 5 of 1,614,226 alleles (0.00031%); highest among the groups gnomAD compares: Non-Finnish European, 0.00042%; no homozygotes.

Submission:

Labcorp Genetics (formerly Invitae), Labcorp
Classification: Uncertain significance. Last evaluated: 2024-09-08. Review status: criteria provided, single submitter. Criteria: Invitae Variant Classification Sherloc (09022015). Collection method: clinical testing. Allele origin: germline.
Comment: This sequence change replaces leucine, which is neutral and non-polar, with proline, which is neutral and non-polar, at codon 138 of the POLD2 protein (p.Leu138Pro). This variant is present in population databases (rs764799107, gnomAD 0.002%). This variant has not been reported in the literature in individuals affected with POLD2-related conditions. Experimental studies and prediction algorithms are not available or were not evaluated, and the functional significance of this variant is currently unknown. In summary, the available evidence is currently insufficient to determine the role of this variant in disease. Therefore, it has been classified as a Variant of Uncertain Significance.

NM_006230.4(POLD2):c.308T>C (p.Leu103Pro)

Gene: POLD2 (DNA polymerase delta 2, accessory subunit; minus strand). Cytogenetic location: 7p13.
Variant type: single nucleotide variant.
Coding change: c.308T>C on transcript NM_006230.4 (MANE Select); coding-DNA position 308, T replaced by C.
Protein change: p.Leu103Pro; replaces leucine 103 with proline.
Molecular consequence: missense variant.
Genome position (GRCh38, 1-based): chr7:44,117,977, A>G on the plus strand (T>C on the coding strand, the complement: POLD2 is on the minus strand). VCF-style: chr7-44117977-A-G. GRCh37 (hg19) VCF-style: chr7-44157576-A-G.
Other names: c.308T>C, p.Leu103Pro (NM_001127218.3, NM_001256879.2); short protein forms L103P.
Identifiers: ClinVar variation 3697518 (VCV003697518.2).